The following is an entry in ClinVar:

NM_001111.5(ADAR):c.674C>T (p.Pro225Leu)

Gene: ADAR (adenosine deaminase RNA specific; minus strand). Cytogenetic location: 1q21.3.
Variant type: single nucleotide variant.
Coding change: c.674C>T on transcript NM_001111.5 (MANE Select); coding-DNA position 674, C replaced by T.
Protein change: p.Pro225Leu; replaces proline 225 with leucine.
Molecular consequence: missense variant. On other transcripts: 5 prime UTR variant (6).
Genome position (GRCh38, 1-based): chr1:154,601,968, G>A on the plus strand (C>T on the coding strand, the complement: ADAR is on the minus strand). VCF-style: chr1-154601968-G-A. GRCh37 (hg19) VCF-style: chr1-154574444-G-A.
Other names: c.-212C>T (NM_001025107.3, NM_001193495.2, NM_001365046.1 and 3 more transcripts); c.701C>T, p.Pro234Leu (NM_001365045.1); c.674C>T, p.Pro225Leu (NM_015840.4, NM_015841.4); short protein forms P225L, P234L.
Identifiers: ClinVar variation 2046616 (VCV002046616.4), dbSNP rs774772091, ClinGen allele CA1131655.

ClinVar aggregate classification (germline): Uncertain significance (1 of 4 stars; one submission).

Conditions:
Aicardi-Goutieres syndrome 6 (AGS6). Identifiers: Orphanet 51, MedGen C3539013, MONDO:0014007, OMIM 615010.
Symmetrical dyschromatosis of extremities (DSH). Also called: DYSCHROMATOSIS SYMMETRICA HEREDITARIA 1; RETICULATE ACROPIGMENTATION OF DOHI; SYMMETRIC DYSCHROMATOSIS OF THE EXTREMITIES; Dyschromatosis symmetrica hereditaria. Identifiers: Orphanet 41, MedGen C0406775, MONDO:0007483, OMIM 127400.

Allele frequency attached by ClinVar (database versions not stated): gnomAD exomes below 0.00001; ExAC 0.00002; TOPMed 0.00001.
gnomAD v4.1: 8 of 1,614,040 alleles (0.0005%); highest among the groups gnomAD compares: Middle Eastern, 0.016%; no homozygotes.

Submission:

Labcorp Genetics (formerly Invitae), Labcorp
Classification: Uncertain significance for Aicardi-Goutieres syndrome 6; Symmetrical dyschromatosis of extremities. Last evaluated: 2025-12-23. Review status: criteria provided, single submitter. Criteria: Invitae Variant Classification Sherloc (09022015). Collection method: clinical testing. Allele origin: germline.
Comment: This sequence change replaces proline, which is neutral and non-polar, with leucine, which is neutral and non-polar, at codon 225 of the ADAR protein (p.Pro225Leu). This variant is present in population databases (rs774772091, gnomAD 0.002%). This variant has not been reported in the literature in individuals affected with ADAR-related conditions. ClinVar contains an entry for this variant (Variation ID: 2046616). An algorithm developed to predict the effect of missense changes on protein structure and function outputs the following: PolyPhen-2: "Not Available". The leucine amino acid residue is found in multiple mammalian species, which suggests that this missense change does not adversely affect protein function. In summary, the available evidence is currently insufficient to determine the role of this variant in disease. Therefore, it has been classified as a Variant of Uncertain Significance.